The following is an entry in ClinVar:

NM_000059.4(BRCA2):c.7201A>G (p.Arg2401Gly)

Gene: BRCA2 (BRCA2 DNA repair associated; plus strand). Cytogenetic location: 13q13.1.
Variant type: single nucleotide variant.
Coding change: c.7201A>G on transcript NM_000059.4 (MANE Select); coding-DNA position 7201, A replaced by G.
Protein change: p.Arg2401Gly; replaces arginine 2401 with glycine.
Molecular consequence: missense variant.
Genome position (GRCh38, 1-based): chr13:32,355,054, A>G. VCF-style: chr13-32355054-A-G. GRCh37 (hg19) VCF-style: chr13-32929191-A-G.
Other names: short protein forms R2401G.
Identifiers: ClinVar variation 531395 (VCV000531395.9), dbSNP rs1555286036, ClinGen allele CA387739871.

ClinVar aggregate classification (germline): Uncertain significance (1 of 4 stars; one submission).

Conditions:
Hereditary breast ovarian cancer syndrome. Also called: Hereditary breast and ovarian cancer syndrome (HBOC); BRCA1- and BRCA2-Associated Hereditary Breast and Ovarian Cancer; Hereditary breast and ovarian cancer syndrome; Breast and ovarian cancer; Hereditary breast and ovarian cancer; Hereditary breast and/or ovarian cancer syndrome. Identifiers: Orphanet 145, MedGen C0677776, MeSH D061325, MONDO:0003582. Disease mechanism: loss of function.

Allele frequency attached by ClinVar (database versions not stated): gnomAD exomes below 0.00001.
gnomAD v4.1: 1 of 1,614,106 alleles (0.000062%); highest among the groups gnomAD compares: Non-Finnish European, 0.000085%; no homozygotes.

Submission:

Labcorp Genetics (formerly Invitae), Labcorp
Classification: Uncertain significance for Hereditary breast ovarian cancer syndrome. Last evaluated: 2025-07-07. Review status: criteria provided, single submitter. Criteria: Invitae Variant Classification Sherloc (09022015). Collection method: clinical testing. Allele origin: germline.
Comment: This sequence change replaces arginine, which is basic and polar, with glycine, which is neutral and non-polar, at codon 2401 of the BRCA2 protein (p.Arg2401Gly). This variant is not present in population databases (gnomAD no frequency). This variant has not been reported in the literature in individuals affected with BRCA2-related conditions. ClinVar contains an entry for this variant (Variation ID: 531395). Invitae Evidence Modeling of protein sequence and biophysical properties (such as structural, functional, and spatial information, amino acid conservation, physicochemical variation, residue mobility, and thermodynamic stability) indicates that this missense variant is not expected to disrupt BRCA2 protein function with a negative predictive value of 95%. In summary, the available evidence is currently insufficient to determine the role of this variant in disease. Therefore, it has been classified as a Variant of Uncertain Significance.